The following is an entry in ClinVar:

NM_004793.4(LONP1):c.890T>C (p.Val297Ala)

Gene: LONP1 (lon peptidase 1, mitochondrial; minus strand). Cytogenetic location: 19p13.3.
Variant type: single nucleotide variant.
Coding change: c.890T>C on transcript NM_004793.4 (MANE Select); coding-DNA position 890, T replaced by C.
Protein change: p.Val297Ala; replaces valine 297 with alanine.
Molecular consequence: missense variant. On other transcripts: non-coding transcript variant (1).
Genome position (GRCh38, 1-based): chr19:5,708,384, A>G on the plus strand (T>C on the coding strand, the complement: LONP1 is on the minus strand). VCF-style: chr19-5708384-A-G. GRCh37 (hg19) VCF-style: chr19-5708395-A-G.
Other names: c.698T>C, p.Val233Ala (NM_001276479.2); c.302T>C, p.Val101Ala (NM_001276480.1); short protein forms V233A, V297A, V101A.
Identifiers: ClinVar variation 1473753 (VCV001473753.8), dbSNP rs774497941, ClinGen allele CA9114919.

ClinVar aggregate classification (germline): Uncertain significance (1 of 4 stars; one submission).

Allele frequency attached by ClinVar (database versions not stated): ExAC 0.00001; gnomAD exomes 0.00001.
gnomAD v4.1: 4 of 1,337,818 alleles (0.0003%); highest among the groups gnomAD compares: South Asian, 0.005%; no homozygotes.

Submission:

Labcorp Genetics (formerly Invitae), Labcorp
Classification: Uncertain significance. Last evaluated: 2025-01-06. Review status: criteria provided, single submitter. Criteria: Invitae Variant Classification Sherloc (09022015). Collection method: clinical testing. Allele origin: germline.
Comment: This sequence change replaces valine, which is neutral and non-polar, with alanine, which is neutral and non-polar, at codon 297 of the LONP1 protein (p.Val297Ala). This variant is present in population databases (rs774497941, gnomAD 0.01%). This variant has not been reported in the literature in individuals affected with LONP1-related conditions. ClinVar contains an entry for this variant (Variation ID: 1473753). Invitae Evidence Modeling of protein sequence and biophysical properties (such as structural, functional, and spatial information, amino acid conservation, physicochemical variation, residue mobility, and thermodynamic stability) has been performed for this missense variant. However, the output from this modeling did not meet the statistical confidence thresholds required to predict the impact of this variant on LONP1 protein function. In summary, the available evidence is currently insufficient to determine the role of this variant in disease. Therefore, it has been classified as a Variant of Uncertain Significance.